The following is an entry in ClinVar:

NM_001458.5(FLNC):c.5398G>A (p.Gly1800Arg)

Genes: FLNC (filamin C; plus strand), FLNC-AS1 (FLNC antisense RNA 1; minus strand). Cytogenetic location: 7q32.1.
Variant type: single nucleotide variant.
Coding change: c.5398G>A on transcript NM_001458.5 (MANE Select); coding-DNA position 5398, G replaced by A.
Protein change: p.Gly1800Arg; replaces glycine 1800 with arginine.
Molecular consequence: missense variant.
Genome position (GRCh38, 1-based): chr7:128,850,483, G>A. VCF-style: chr7-128850483-G-A. GRCh37 (hg19) VCF-style: chr7-128490537-G-A.
Other names: c.5299G>A, p.Gly1767Arg (NM_001127487.2); short protein forms G1767R, G1800R.
Identifiers: ClinVar variation 1497561 (VCV001497561.8), dbSNP rs2128938108, ClinGen allele CA369205439.
Genomic context (GRCh38, chr7:128,850,483, plus strand): 5'-TCCATGCTGAGGCCCTTCAACCTGGTCATCCCCTTCGCGGTGCAGAAAGGGGAGCTCACA[G>A]GTACTGCCCTGTGGCTCCCAGGCATGAGGGCTGAGGGGAGAAACCCTCTTCCAGGCCCAG-3'
Protein context (NP_001449.3, residues 1790-1810): PFAVQKGELT[Gly1800Arg]EVRMPSGKTA

ClinVar aggregate classification (germline): Uncertain significance (1 of 4 stars; one submission).

Conditions:
Myofibrillar myopathy 5. Also called: Filaminopathy (type); FILAMINOPATHY, AUTOSOMAL DOMINANT. Identifiers: Orphanet 171445, MedGen C1836050, MONDO:0012289, OMIM 609524.
Distal myopathy with posterior leg and anterior hand involvement. Also called: WILLIAMS DISTAL MYOPATHY. Identifiers: Orphanet 63273, MedGen C3279722, MONDO:0013550, OMIM 614065.
Hypertrophic cardiomyopathy 26. Also called: Cardiomyopathy, familial hypertrophic, 26. Identifiers: Orphanet 75249, MedGen C4310749, MONDO:0014883, OMIM 617047.

Submission:

Labcorp Genetics (formerly Invitae), Labcorp
Classification: Uncertain significance for Distal myopathy with posterior leg and anterior hand involvement; Myofibrillar myopathy 5; Hypertrophic cardiomyopathy 26. Last evaluated: 2020-12-25. Review status: criteria provided, single submitter. Criteria: Invitae Variant Classification Sherloc (09022015). Collection method: clinical testing. Allele origin: germline.
Comment: In summary, the available evidence is currently insufficient to determine the role of this variant in disease. Therefore, it has been classified as a Variant of Uncertain Significance. Nucleotide substitutions within the consensus splice site are a relatively common cause of aberrant splicing (PMID: 17576681, 9536098). Algorithms developed to predict the effect of sequence changes on RNA splicing suggest that this variant may disrupt the consensus splice site, but this prediction has not been confirmed by published transcriptional studies. Algorithms developed to predict the effect of missense changes on protein structure and function (SIFT, PolyPhen-2, Align-GVGD) all suggest that this variant is likely to be disruptive, but these predictions have not been confirmed by published functional studies and their clinical significance is uncertain. This variant has not been reported in the literature in individuals with FLNC-related conditions. This variant is not present in population databases (ExAC no frequency). This sequence change replaces glycine with arginine at codon 1800 of the FLNC protein (p.Gly1800Arg). The glycine residue is highly conserved and there is a moderate physicochemical difference between glycine and arginine. This variant also falls at the last nucleotide of exon 32, which is part of the consensus splice site for this exon.

Literature cited by the submitters: PubMed 17576681; PubMed 9536098.